The following is an entry in ClinVar:

NM_001009944.3(PKD1):c.5796del (p.Arg1935fs)

Gene: PKD1 (polycystin 1, transient receptor potential channel interacting; minus strand). Cytogenetic location: 16p13.3.
Variant type: Deletion.
Coding change: c.5796del on transcript NM_001009944.3 (MANE Select); coding-DNA position 5796, one base deleted (C; older notation c.5796delC).
Protein change: p.Arg1935fs; shifts the reading frame from arginine 1935.
Molecular consequence: frameshift variant.
Genome position (GRCh38, 1-based): chr16:2,109,371, G deleted on the plus strand (C on the coding strand, the reverse complement: PKD1 is on the minus strand); the first of 4 consecutive G bases (chr16:2,109,371-2,109,374); deleting any one gives the same sequence. VCF-style (leftmost placement, unchanged base first): chr16-2109370-CG-C. GRCh37 (hg19) VCF-style: chr16-2159371-CG-C.
Other names: c.5796del, p.Arg1935fs (NM_000296.4); short protein forms R1935fs.
Identifiers: ClinVar variation 4277272 (VCV004277272.1).
Genomic context (GRCh38, chr16:2,109,370, plus strand): 5'-TGCCCCGCACGCTCACCACGTGGTCTCCGACGCGGGGGAAGCTGTGGGAGAAACGGGGCC[CG>C]GGGAGCACCTCGGGGTTGGCCCCGCCGACCTGCAGGCGGAAGGTGACAGCTGAGCCGGCA-3'

ClinVar aggregate classification (germline): Pathogenic (1 of 4 stars; one submission).

Conditions:
Polycystic kidney disease, adult type (PKD1). Also called: POLYCYSTIC KIDNEY DISEASE, ADULT, TYPE I; POLYCYSTIC KIDNEY DISEASE 1 WITH OR WITHOUT POLYCYSTIC LIVER DISEASE; Polycystic Kidney Disease 1, Autosomal Dominant; Polycystic kidney disease 1; Polycystic kidney disease 1, severe; Polycystic Kidney, Autosomal Dominant. Identifiers: MedGen C3149841, MONDO:0008263, OMIM 173900.

Submission:

MVZ Medizinische Genetik Mainz
Classification: Pathogenic for Polycystic kidney disease, adult type. Last evaluated: 2025-09-03. Review status: criteria provided, single submitter. Criteria: UK Practice Guidelines For Variant Classification V4 01 2020. Collection method: clinical testing. Allele origin: germline. Inheritance: Autosomal dominant inheritance. Affected: yes. Observed: 1 variant allele.
Comment: ACMG Criteria: PVS1,PM2_SUP,PP4